The following is an entry in ClinVar:

ClinVar aggregate classification (germline): Uncertain significance (1 of 4 stars; one submission).

Conditions:
CHARGE syndrome (CHARGE). Also called: Hittner Hirsch Kreh syndrome; CHARGE ASSOCIATION--COLOBOMA, HEART ANOMALY, CHOANAL ATRESIA, RETARDATION, GENITAL AND EAR ANOMALIES; Coloboma, heart anomaly, choanal atresia, retardation, genital and ear anomalies; CHARGE association; Hall-Hittner syndrome. Identifiers: Orphanet 138, MedGen C0265354, MONDO:0008965.

Allele frequency attached by ClinVar (database versions not stated): gnomAD exomes below 0.00001; TOPMed below 0.00001.
gnomAD v4.1: 2 of 1,613,272 alleles (0.00012%); highest among the groups gnomAD compares: Non-Finnish European, 0.00017%; no homozygotes.

Submission:

Labcorp Genetics (formerly Invitae), Labcorp
Classification: Uncertain significance for CHARGE syndrome. Last evaluated: 2023-02-01. Review status: criteria provided, single submitter. Criteria: Invitae Variant Classification Sherloc (09022015). Collection method: clinical testing. Allele origin: germline.
Comment: This variant is not present in population databases (gnomAD no frequency). This variant has not been reported in the literature in individuals affected with CHD7-related conditions. Advanced modeling of protein sequence and biophysical properties (such as structural, functional, and spatial information, amino acid conservation, physicochemical variation, residue mobility, and thermodynamic stability) performed at Invitae indicates that this missense variant is not expected to disrupt CHD7 protein function. In summary, the available evidence is currently insufficient to determine the role of this variant in disease. Therefore, it has been classified as a Variant of Uncertain Significance. This sequence change replaces asparagine, which is neutral and polar, with serine, which is neutral and polar, at codon 1274 of the CHD7 protein (p.Asn1274Ser).

NM_017780.4(CHD7):c.3821A>G (p.Asn1274Ser)

Gene: CHD7 (chromodomain helicase DNA binding protein 7; plus strand). Cytogenetic location: 8q12.2.
Variant type: single nucleotide variant.
Coding change: c.3821A>G on transcript NM_017780.4 (MANE Select); coding-DNA position 3821, A replaced by G.
Protein change: p.Asn1274Ser; replaces asparagine 1274 with serine.
Molecular consequence: missense variant. On other transcripts: intron variant (1).
Genome position (GRCh38, 1-based): chr8:60,836,115, A>G. VCF-style: chr8-60836115-A-G. GRCh37 (hg19) VCF-style: chr8-61748674-A-G.
Other names: c.1717-26114A>G (NM_001316690.1); short protein forms N1274S.
Identifiers: ClinVar variation 2147258 (VCV002147258.4), dbSNP rs1804730828, ClinGen allele CA371316184.